The following is an entry in ClinVar:

ClinVar aggregate classification (germline): Uncertain significance (1 of 4 stars; one submission).

Conditions:
Hereditary nonpolyposis colorectal neoplasms. Identifiers: MedGen C0009405, MeSH D003123.

Submission:

Labcorp Genetics (formerly Invitae), Labcorp
Classification: Uncertain significance for Hereditary nonpolyposis colorectal neoplasms. Last evaluated: 2022-07-18. Review status: criteria provided, single submitter. Criteria: Invitae Variant Classification Sherloc (09022015). Collection method: clinical testing. Allele origin: germline.
Comment: In summary, the available evidence is currently insufficient to determine the role of this variant in disease. Therefore, it has been classified as a Variant of Uncertain Significance. Advanced modeling of protein sequence and biophysical properties (such as structural, functional, and spatial information, amino acid conservation, physicochemical variation, residue mobility, and thermodynamic stability) performed at Invitae indicates that this missense variant is not expected to disrupt MSH6 protein function. This variant has not been reported in the literature in individuals affected with MSH6-related conditions. This variant is not present in population databases (gnomAD no frequency). This sequence change replaces glutamic acid, which is acidic and polar, with aspartic acid, which is acidic and polar, at codon 206 of the MSH6 protein (p.Glu206Asp).

NM_000179.3(MSH6):c.618A>C (p.Glu206Asp)

Gene: MSH6 (mutS homolog 6; plus strand). Cytogenetic location: 2p16.3.
Variant type: single nucleotide variant.
Coding change: c.618A>C on transcript NM_000179.3 (MANE Select); coding-DNA position 618, A replaced by C.
Protein change: p.Glu206Asp; replaces glutamic acid 206 with aspartic acid.
Molecular consequence: missense variant. On other transcripts: 5 prime UTR variant (1), intron variant (2).
Genome position (GRCh38, 1-based): chr2:47,796,054, A>C. VCF-style: chr2-47796054-A-C. GRCh37 (hg19) VCF-style: chr2-48023193-A-C.
Other names: c.618A>C, p.Glu206Asp (NM_001406798.1, NM_001406800.1, NM_001406803.1 and 5 more transcripts); c.93A>C, p.Glu31Asp (NM_001406799.1, NM_001406806.1, NM_001406807.1); c.321A>C, p.Glu107Asp (NM_001406801.1, NM_001406805.1, NM_001406797.1 and 10 more transcripts); c.714A>C, p.Glu238Asp (NM_001406802.1, NM_001406795.1); c.540A>C, p.Glu180Asp (NM_001406804.1); c.-285A>C (NM_001281494.2); c.624A>C, p.Glu208Asp (NM_001406813.1); c.-377A>C (NM_001406814.1); and 3 more; short protein forms E107D, E150D, E180D, E206D, E208D, E238D, E31D.
Identifiers: ClinVar variation 1715030 (VCV001715030.6), dbSNP rs758635514, ClinGen allele CA346738895.